The following is an entry in ClinVar:

NM_001220.5(CAMK2B):c.1396G>T (p.Ala466Ser)

Gene: CAMK2B (calcium/calmodulin dependent protein kinase II beta; minus strand). Cytogenetic location: 7p13.
Variant type: single nucleotide variant.
Coding change: c.1396G>T on transcript NM_001220.5 (MANE Select); coding-DNA position 1396, G replaced by T.
Protein change: p.Ala466Ser; replaces alanine 466 with serine.
Molecular consequence: missense variant. On other transcripts: intron variant (8).
Genome position (GRCh38, 1-based): chr7:44,228,868, C>A on the plus strand (G>T on the coding strand, the complement: CAMK2B is on the minus strand). VCF-style: chr7-44228868-C-A. GRCh37 (hg19) VCF-style: chr7-44268467-C-A.
Other names: c.947-7967G>T (NM_172084.3); c.1150+2138G>T (NM_172080.3); c.1036+2138G>T (NM_172083.3); c.1108+2138G>T (NM_172081.3); c.1153+2138G>T (NM_172079.3, NM_172082.3); c.1225+2138G>T (NM_001293170.2, NM_172078.3); short protein forms A466S.
Identifiers: ClinVar variation 1392137 (VCV001392137.7), dbSNP rs775071445, ClinGen allele CA367373149.

ClinVar aggregate classification (germline): Uncertain significance. Review status: criteria provided, multiple submitters, no conflicts (2 of 4 stars). 2 submissions from 2 submitters: Uncertain significance (2). Last evaluated 2026-09-01.

Submissions (2):

CeGaT Center for Human Genetics Tuebingen
Classification: Uncertain significance. Last evaluated: 2026-09-01. Review status: criteria provided, single submitter. Criteria: CeGaT Center For Human Genetics Tuebingen Variant Classification Criteria Version 2. Collection method: clinical testing. Allele origin: germline. Affected: yes. Observed: 1 variant allele.
Comment: CAMK2B: PM2

Labcorp Genetics (formerly Invitae), Labcorp
Classification: Uncertain significance. Last evaluated: 2021-11-23. Review status: criteria provided, single submitter. Criteria: Invitae Variant Classification Sherloc (09022015). Collection method: clinical testing. Allele origin: germline.
Comment: This sequence change replaces alanine, which is neutral and non-polar, with serine, which is neutral and polar, at codon 466 of the CAMK2B protein (p.Ala466Ser). This variant is not present in population databases (gnomAD no frequency). This variant has not been reported in the literature in individuals affected with CAMK2B-related conditions. Algorithms developed to predict the effect of missense changes on protein structure and function are either unavailable or do not agree on the potential impact of this missense change (SIFT: "Deleterious"; PolyPhen-2: "Benign"; Align-GVGD: "Class C65"). In summary, the available evidence is currently insufficient to determine the role of this variant in disease. Therefore, it has been classified as a Variant of Uncertain Significance.